The following is an entry in ClinVar:

ClinVar aggregate classification (germline): Conflicting classifications of pathogenicity. Review status: criteria provided, conflicting classifications (1 of 4 stars). 2 submissions from 2 submitters: Uncertain significance (1); Likely benign (1). Last evaluated 2023-12-22.

Conditions:
Hereditary cancer-predisposing syndrome. Also called: Hereditary Cancer Syndrome; Tumor predisposition; Neoplastic Syndromes, Hereditary; Hereditary neoplastic syndrome. Identifiers: Orphanet 140162, MedGen C0027672, MeSH D009386, MONDO:0015356.
Rhabdoid tumor predisposition syndrome 2 (RTPS2). Identifiers: Orphanet 231108, Orphanet 69077, MedGen C2750074, MONDO:0013224, OMIM 613325.

gnomAD v4.1: 1 of 1,578,440 alleles (0.000063%); highest among the groups gnomAD compares: Non-Finnish European, 0.000086%; no homozygotes.

Submissions (2):

Labcorp Genetics (formerly Invitae), Labcorp
Classification: Likely benign for Rhabdoid tumor predisposition syndrome 2. Last evaluated: 2023-12-22. Review status: criteria provided, single submitter. Criteria: Invitae Variant Classification Sherloc (09022015). Collection method: clinical testing. Allele origin: germline.

Sema4
Classification: Uncertain significance for Hereditary cancer-predisposing syndrome. Last evaluated: 2021-12-22. Review status: criteria provided, single submitter. Criteria: Sema4 Curation Guidelines. Collection method: curation. Allele origin: germline.
Comment: The SMARCA4 c.4865-12G>C variant has not been reported in the literature to our knowledge. It was not observed in the large and broad cohorts of the Genome Aggregation Database (PMID: 32461654), nor in ClinVar. Algorithms developed to predict the effect of sequence changes on RNA splicing suggest that this variant is not likely to affect RNA splicing, though these predictions have not been confirmed by transcriptional studies. The evidence is insufficient to meet ACMG/AMP criteria for classifying the variant as benign or pathogenic. Thus, the clinical significance of this variant is currently uncertain.

NM_003072.5(SMARCA4):c.4769-12G>C

Gene: SMARCA4 (SWI/SNF related BAF chromatin remodeling complex subunit ATPase 4; plus strand). Cytogenetic location: 19p13.2.
Variant type: single nucleotide variant.
Coding change: c.4769-12G>C on transcript NM_003072.5 (MANE Select); 12 bases into the intron before coding-DNA position 4769, G replaced by C.
Molecular consequence: intron variant.
Genome position (GRCh38, 1-based): chr19:11,060,033, G>C. VCF-style: chr19-11060033-G-C. GRCh37 (hg19) VCF-style: chr19-11170709-G-C.
Other names: c.4769-12G>C (NM_001128844.3); c.4865-12G>C (NM_001128849.3, NM_001387283.1); c.4670-12G>C (NM_001128847.4, NM_001374457.1); c.4679-12G>C (NM_001128845.2); c.4676-12G>C (NM_001128846.2); c.4667-12G>C (NM_001128848.2).
Identifiers: ClinVar variation 1576536 (VCV001576536.9), dbSNP rs1164249697, ClinGen allele CA2573155654.
Genomic context (GRCh38, chr19:11,060,033, plus strand): 5'-CAGACGCCCCTTGCTGTGGGGGTGCTGCATTCCCAGAGCTCAAGGCTGTCTTTCCCTCCC[G>C]GTCCCCTCCAGCTCGGTCCGTCAAAGTGAAGATCAAGCTTGGCCGGAAGGAGAAGGCACA-3'